The following is an entry in ClinVar:

ClinVar aggregate classification (germline): Uncertain significance (1 of 4 stars; one submission).

Conditions:
Hereditary cancer-predisposing syndrome. Also called: Hereditary Cancer Syndrome; Hereditary neoplastic syndrome; Neoplastic Syndromes, Hereditary; Tumor predisposition. Identifiers: Orphanet 140162, MedGen C0027672, MeSH D009386, MONDO:0015356.

Submission:

Ambry Genetics
Classification: Uncertain significance for Hereditary cancer-predisposing syndrome. Last evaluated: 2021-08-13. Review status: criteria provided, single submitter. Criteria: Ambry Variant Classification Scheme 2023. Collection method: clinical testing. Allele origin: germline.
Comment: The c.6142_6144delAAT variant (also known as p.N2048del) is located in coding exon 10 of the BRCA2 gene. This variant results from an in-frame AAT deletion at nucleotide positions 6142 to 6144. This results in the in-frame deletion of an asparagine at codon 2048. This amino acid position is well conserved in available vertebrate species. In addition, the in silico prediction for this alteration is inconclusive (Choi Y et al. PLoS ONE. 2012; 7(10):e46688). Since supporting evidence is limited at this time, the clinical significance of this alteration remains unclear.

NM_000059.4(BRCA2):c.6142_6144del (p.Asn2048del)

Gene: BRCA2 (BRCA2 DNA repair associated; plus strand). Cytogenetic location: 13q13.1.
Variant type: Deletion.
Coding change: c.6142_6144del on transcript NM_000059.4 (MANE Select); coding-DNA positions 6142 to 6144, 3 bases deleted (AAT; older notation c.6142_6144delAAT).
Protein change: p.Asn2048del; deletes asparagine 2048.
Molecular consequence: inframe deletion. On other transcripts: inframe indel (2).
Genome position (GRCh38, 1-based): chr13:32,340,497-32,340,499, AAT deleted; deleting any 3 consecutive bases within chr13:32,340,495-32,340,499 gives the same sequence; the c. name uses the placement nearest the transcript's 3' end. VCF-style (leftmost placement, unchanged base first): chr13-32340494-TATA-T. GRCh37 (hg19) VCF-style: chr13-32914631-TATA-T.
Other names: c.6142_6144delAAT, p.Asn2048del (NM_001406719.1, NM_001406720.1); short protein forms N2048del.
Identifiers: ClinVar variation 1751841 (VCV001751841.2), dbSNP rs2548532663, ClinGen allele CA2580087789.
Genomic context (GRCh38, chr13:32,340,494, plus strand): 5'-AGAGAAGAAAATACTGCTATACGTACTCCAGAACATTTAATATCCCAAAAAGGCTTTTCA[TATA>T]ATGTGGTAAATTCATCTGCTTTCTCTGGATTTAGTACAGCAAGTGGAAAGCAAGTTTCCA-3'